The following is an entry in ClinVar:

NM_000171.4(GLRA1):c.848T>C (p.Leu283Pro)

Gene: GLRA1 (glycine receptor alpha 1; minus strand). Cytogenetic location: 5q33.1.
Variant type: single nucleotide variant.
Coding change: c.848T>C on transcript NM_000171.4 (MANE Select); coding-DNA position 848, T replaced by C.
Protein change: p.Leu283Pro; replaces leucine 283 with proline.
Molecular consequence: missense variant.
Genome position (GRCh38, 1-based): chr5:151,851,454, A>G on the plus strand (T>C on the coding strand, the complement: GLRA1 is on the minus strand). VCF-style: chr5-151851454-A-G. GRCh37 (hg19) VCF-style: chr5-151231015-A-G.
Other names: c.848T>C, p.Leu283Pro (NM_001146040.2); c.599T>C, p.Leu200Pro (NM_001292000.2); short protein forms L200P, L283P.
Identifiers: ClinVar variation 3713280 (VCV003713280.2).

ClinVar aggregate classification (germline): Uncertain significance (1 of 4 stars; one submission).

Conditions:
Hereditary hyperekplexia. Identifiers: Orphanet 3197, MedGen C4084968, MONDO:0021022.

Submission:

Labcorp Genetics (formerly Invitae), Labcorp
Classification: Uncertain significance for Hereditary hyperekplexia. Last evaluated: 2024-10-06. Review status: criteria provided, single submitter. Criteria: Invitae Variant Classification Sherloc (09022015). Collection method: clinical testing. Allele origin: germline.
Comment: This sequence change replaces leucine, which is neutral and non-polar, with proline, which is neutral and non-polar, at codon 283 of the GLRA1 protein (p.Leu283Pro). This variant is not present in population databases (gnomAD no frequency). This variant has not been reported in the literature in individuals affected with GLRA1-related conditions. Invitae Evidence Modeling of protein sequence and biophysical properties (such as structural, functional, and spatial information, amino acid conservation, physicochemical variation, residue mobility, and thermodynamic stability) indicates that this missense variant is expected to disrupt GLRA1 protein function with a positive predictive value of 80%. In summary, the available evidence is currently insufficient to determine the role of this variant in disease. Therefore, it has been classified as a Variant of Uncertain Significance.